The following is an entry in ClinVar:

ClinVar aggregate classification (germline): Likely pathogenic. Review status: criteria provided, multiple submitters, no conflicts (2 of 4 stars). 3 submissions from 3 submitters: Likely pathogenic (3). Last evaluated 2025-05-13.

Conditions:
Dilated cardiomyopathy 1G (CMD1G). Identifiers: Orphanet 154, MedGen C1858763, MONDO:0011400, OMIM 604145.
Cardiovascular phenotype. Identifiers: MedGen CN230736.
Autosomal recessive limb-girdle muscular dystrophy type 2J (LGMDR10). Also called: Limb-girdle muscular dystrophy, type 2J; MUSCULAR DYSTROPHY, LIMB-GIRDLE, AUTOSOMAL RECESSIVE 10. Identifiers: Orphanet 140922, MedGen C1837342, MONDO:0012127, OMIM 608807.

Submissions (3):

Variantyx, Inc.
Classification: Likely pathogenic for Dilated cardiomyopathy 1G. Last evaluated: 2025-05-13. Review status: criteria provided, single submitter. Criteria: Variantyx Assertion Criteria 2022. Collection method: clinical testing. Allele origin: germline. Inheritance: Autosomal dominant inheritance. Affected: yes.
Comment: This is a deletion variant in the TTN gene (OMIM: 188840). Pathogenic variants in this gene have been associated with autosomal dominant dilated cardiomyopathy 1G. This deletion introduces a premature termination codon in exon 347, and resides in the A-band region of titin and is expected to result in loss of function, which is a known disease mechanism for TTN in this disorder (PMID: 38938651) (PVS1). This variant is absent from control populations (PM2). Based on the current evidence, this variant is classified as likely pathogenic for autosomal dominant dilated cardiomyopathy 1G.This variant was reported by previous genetic testing.

Ambry Genetics
Classification: Likely pathogenic for Cardiovascular phenotype. Last evaluated: 2025-02-20. Review status: criteria provided, single submitter. Criteria: Ambry Variant Classification Scheme 2023. Collection method: clinical testing. Allele origin: germline.
Comment: The c.69629_69636delTTAGAATA variant, located in coding exon 174 of the TTN gene, results from a deletion of 8 nucleotides at nucleotide positions 69629 to 69636, causing a translational frameshift with a predicted alternate stop codon (p.F23210*). This exon is located in the A-band region of the N2-B isoform of the titin protein and is constitutively expressed in TTN transcripts (percent spliced in or PSI 100%). This variant is expected to result in loss of function by premature protein truncation or nonsense-mediated mRNA decay. While truncating variants in TTN are present in 1-3% of the general population, truncating variants in the A-band are the most common cause of dilated cardiomyopathy (Herman DS et al. N. Engl. J. Med., 2012 Feb;366:619-28; Roberts AM et al. Sci Transl Med, 2015 Jan;7:270ra6). TTN truncating variants encoded in constitutive exons (PSI >90%) have been found to be significantly associated with DCM regardless of their position in titin (Schafer S et al. Nat. Genet., 2017 01;49:46-53; Akhtar MM et al. Circ Heart Fail, 2020 Oct;13:e006832; Massier M et al. Clin Genet, 2025 Jan). This variant is considered to be rare based on population cohorts in the Genome Aggregation Database (gnomAD). Based on the majority of available evidence to date, this variant is likely to be pathogenic.

Labcorp Genetics (formerly Invitae), Labcorp
Classification: Likely pathogenic for Dilated cardiomyopathy 1G; Autosomal recessive limb-girdle muscular dystrophy type 2J. Last evaluated: 2023-11-27. Review status: criteria provided, single submitter. Criteria: Invitae Variant Classification Sherloc (09022015). Collection method: clinical testing. Allele origin: germline.
Comment: This sequence change creates a premature translational stop signal (p.Phe32275*) in the TTN gene. While this is not anticipated to result in nonsense mediated decay, it is expected to create a truncated TTN protein. This variant is not present in population databases (gnomAD no frequency). This variant has not been reported in the literature in individuals affected with TTN-related conditions. ClinVar contains an entry for this variant (Variation ID: 1505968). This variant is located in the A band of TTN (PMID: 25589632). Truncating variants in this region are significantly overrepresented in patients affected with dilated cardiomyopathy (PMID: 25589632). Truncating variants in this region have also been reported in individuals affected with autosomal recessive centronuclear myopathy (PMID: 23975875). In summary, the currently available evidence indicates that the variant is pathogenic, but additional data are needed to prove that conclusively. Therefore, this variant has been classified as Likely Pathogenic.

Literature cited by the submitters: PubMed 38938651 (cited by Variantyx, Inc.); PubMed 25589632 (cited by Labcorp Genetics (formerly Invitae), Labcorp); PubMed 23975875 (cited by Labcorp Genetics (formerly Invitae), Labcorp).

NM_001267550.2(TTN):c.96824_96831del (p.Leu32274_Phe32275insTer)

Genes: TTN-AS1 (TTN antisense RNA 1; plus strand), TTN (titin; minus strand), LOC126806421 (CDK7 strongly-dependent group 2 enhancer GRCh37_chr2:179407630-179408829; plus strand). Cytogenetic location: 2q31.2.
Variant type: Deletion.
Coding change: c.96824_96831del on transcript NM_001267550.2 (MANE Select); coding-DNA positions 96824 to 96831, 8 bases deleted (TTAGAATA; older notation c.96824_96831delTTAGAATA).
Protein change: p.Leu32274_Phe32275insTer.
Molecular consequence: nonsense.
Genome position (GRCh38, 1-based): chr2:178,543,142-178,543,149, TATTCTAA deleted on the plus strand (TTAGAATA on the coding strand, the reverse complement: TTN is on the minus strand). VCF-style (leftmost placement, unchanged base first): chr2-178543141-TTATTCTAA-T. GRCh37 (hg19) VCF-style: chr2-179407868-TTATTCTAA-T.
Other names: c.91901_91908del, p.Leu30633_Phe30634insTer (NM_001256850.1); c.69629_69636del, p.Leu23209_Phe23210insTer (NM_003319.4); c.89120_89127del, p.Leu29706_Phe29707insTer (NM_133378.4); c.70004_70011del, p.Leu23334_Phe23335insTer (NM_133432.3); c.70205_70212del, p.Leu23401_Phe23402insTer (NM_133437.4); c.69629_69636delTTAGAATA (NM_003319.4).
Identifiers: ClinVar variation 1505968 (VCV001505968.10), dbSNP rs2154143307, ClinGen allele CA2573134086.